The following is an entry in ClinVar:

NM_053025.4(MYLK):c.2885C>G (p.Thr962Ser)

Gene: MYLK (myosin light chain kinase; minus strand). Cytogenetic location: 3q21.1.
Variant type: single nucleotide variant.
Coding change: c.2885C>G on transcript NM_053025.4 (MANE Select); coding-DNA position 2885, C replaced by G.
Protein change: p.Thr962Ser; replaces threonine 962 with serine.
Molecular consequence: missense variant.
Genome position (GRCh38, 1-based): chr3:123,700,583, G>C on the plus strand (C>G on the coding strand, the complement: MYLK is on the minus strand). VCF-style: chr3-123700583-G-C. GRCh37 (hg19) VCF-style: chr3-123419430-G-C.
Other names: c.2357C>G, p.Thr786Ser (NM_001321309.2); c.2678C>G, p.Thr893Ser (NM_053026.4, NM_053028.4); c.2885C>G, p.Thr962Ser (NM_053027.4); short protein forms T786S, T962S, T893S.
Identifiers: ClinVar variation 644072 (VCV000644072.8), dbSNP rs201266960, ClinGen allele CA354230861.
Genomic context (GRCh38, chr3:123,700,583, plus strand): 5'-CGAAAATCCGGGGTGGCAGGTTTTGGCGGTGGCACCTTCTCAGGCACGGGGGTCTTGGAA[G>C]TCCCCTTCTTGGCCAGGACAGAGCGAAAATCGACCTGCTGGGGGCTGTGCACCTTCCTCT-3'
Protein context (NP_444253.3, residues 952-972): DFRSVLAKKG[Thr962Ser]SKTPVPEKVP

ClinVar aggregate classification (germline): Uncertain significance (1 of 4 stars; one submission).

Conditions:
Aortic aneurysm, familial thoracic 7 (AAT7). Also called: AORTIC DISSECTION, FAMILIAL, WITH OR WITHOUT AORTIC ANEURYSM. Identifiers: MedGen C3151077, MONDO:0013418, OMIM 613780.

Submission:

Labcorp Genetics (formerly Invitae), Labcorp
Classification: Uncertain significance for Aortic aneurysm, familial thoracic 7. Last evaluated: 2018-11-28. Review status: criteria provided, single submitter. Criteria: Invitae Variant Classification Sherloc (09022015). Collection method: clinical testing. Allele origin: germline.
Comment: In summary, the available evidence is currently insufficient to determine the role of this variant in disease. Therefore, it has been classified as a Variant of Uncertain Significance. Algorithms developed to predict the effect of missense changes on protein structure and function are either unavailable or do not agree on the potential impact of this missense change (SIFT: "Deleterious"; PolyPhen-2: "Benign"; Align-GVGD: "Class C55"). This variant has not been reported in the literature in individuals with MYLK-related conditions. This variant is not present in population databases (ExAC no frequency). This sequence change replaces threonine with serine at codon 962 of the MYLK protein (p.Thr962Ser). The threonine residue is highly conserved and there is a small physicochemical difference between threonine and serine.